The following is an entry in ClinVar:

ClinVar aggregate classification (germline): Likely pathogenic. Review status: criteria provided, multiple submitters, no conflicts (2 of 4 stars). 2 submissions from 2 submitters: Likely pathogenic (2). Last evaluated 2024-12-04.

Conditions:
Lynch syndrome 4 (LYNCH4). Also called: Hereditary non-polyposis colorectal cancer, type 4; Colorectal cancer, hereditary nonpolyposis, type 4. Identifiers: Orphanet 144, MedGen C1838333, MONDO:0013699, OMIM 614337. Disease mechanism: loss of function.
Hereditary nonpolyposis colorectal neoplasms. Identifiers: MedGen C0009405, MeSH D003123.

Submissions (2):

Labcorp Genetics (formerly Invitae), Labcorp
Classification: Likely pathogenic for Hereditary nonpolyposis colorectal neoplasms. Last evaluated: 2024-12-04. Review status: criteria provided, single submitter. Criteria: Invitae Variant Classification Sherloc (09022015). Collection method: clinical testing. Allele origin: germline.
Comment: This sequence change affects a splice site in intron 11 of the PMS2 gene. It is expected to disrupt RNA splicing. Variants that disrupt the donor or acceptor splice site typically lead to a loss of protein function (PMID: 16199547), and loss-of-function variants in PMS2 are known to be pathogenic (PMID: 21376568, 24362816). The frequency data for this variant in the population databases (gnomAD) is considered unreliable due to the presence of homologous sequence, such as pseudogenes or paralogs, in the genome. This variant has not been reported in the literature in individuals affected with PMS2-related conditions. ClinVar contains an entry for this variant (Variation ID: 582923). In summary, the currently available evidence indicates that the variant is pathogenic, but additional data are needed to prove that conclusively. Therefore, this variant has been classified as Likely Pathogenic.

Myriad Genetics, Inc.
Classification: Likely pathogenic for Lynch syndrome 4. Last evaluated: 2023-09-21. Review status: criteria provided, single submitter. Criteria: Myriad Autosomal Dominant, Autosomal Recessive and X-Linked Classification Criteria (2023). Collection method: clinical testing. Allele origin: unknown.
Comment: This variant is considered likely pathogenic. This variant occurs within a consensus splice junction and is predicted to result in abnormal mRNA splicing of either an out-of-frame exon or an in-frame exon necessary for protein stability and/or normal function.

Literature cited by the submitters: PubMed 16199547 (cited by Labcorp Genetics (formerly Invitae), Labcorp); PubMed 21376568 (cited by Labcorp Genetics (formerly Invitae), Labcorp); PubMed 24362816 (cited by Labcorp Genetics (formerly Invitae), Labcorp).

NM_000535.7(PMS2):c.2007-4_2007-1delinsACAC

Gene: PMS2 (PMS1 homolog 2, mismatch repair system component; minus strand). Cytogenetic location: 7p22.1.
Variant type: Indel.
Coding change: c.2007-4_2007-1delinsACAC on transcript NM_000535.7 (MANE Select); 4 bases into the intron before coding-DNA position 2007 through the canonical splice acceptor site of the intron before coding-DNA position 2007, GCAG replaced by ACAC.
Molecular consequence: splice acceptor variant.
Genome position (GRCh38, 1-based): chr7:5,982,992-5,982,995, CTGC replaced by GTGT on the plus strand (GCAG replaced by ACAC on the coding strand, the reverse complement: PMS2 is on the minus strand). VCF-style: chr7-5982992-CTGC-GTGT. GRCh37 (hg19) VCF-style: chr7-6022623-CTGC-GTGT.
Other names: c.1689-4_1689-1delinsACAC (NM_001322008.2, NM_001322007.2); c.1446-4_1446-1delinsACAC (NM_001322010.2); c.1602-4_1602-1delinsACAC (NM_001322004.2, NM_001322003.2, NM_001322009.2 and 1 more transcripts); c.1434-4_1434-1delinsACAC (NM_001322013.2); c.1074-4_1074-1delinsACAC (NM_001322012.2, NM_001322011.2); c.1698-4_1698-1delinsACAC (NM_001322015.2); c.1851-4_1851-1delinsACAC (NM_001322006.2); c.2007-4_2007-1delinsACAC (NM_001322014.2).
Identifiers: ClinVar variation 582923 (VCV000582923.8), dbSNP rs1562616355, ClinGen allele CA891842808.
Genomic context (GRCh38, chr7:5,982,992, plus strand): 5'-GTTATTATAAATCCCAGGTTAAACTGACCAATGATTTCCATTTCTGCAAACATCGTTTTA[CTGC>GTGT]AGGTAGAAAATGTTAATTATCAGACATTTTACAAGATTATTTTTCTGATTATGTTATAGA-3'